The following is an entry in ClinVar:

ClinVar aggregate classification (germline): Uncertain significance (0 of 4 stars; one submission).

Conditions:
NLGN4X-related disorder. Also called: NLGN4X-related condition.

Submission:

PreventionGenetics, part of Exact Sciences
Classification: Uncertain significance for NLGN4X-related condition. Last evaluated: 2023-11-02. Review status: no assertion criteria provided. Collection method: clinical testing. Allele origin: germline.
Comment: The NLGN4X c.1013T>C variant is predicted to result in the amino acid substitution p.Ile338Thr. To our knowledge, this variant has not been reported in the literature or in a large population database, indicating this variant is rare. At this time, the clinical significance of this variant is uncertain due to the absence of conclusive functional and genetic evidence.

NM_181332.3(NLGN4X):c.1013T>C (p.Ile338Thr)

Gene: NLGN4X (neuroligin 4 X-linked; minus strand). Cytogenetic location: Xp22.32.
Variant type: single nucleotide variant.
Coding change: c.1013T>C on transcript NM_181332.3 (MANE Select); coding-DNA position 1013, T replaced by C.
Protein change: p.Ile338Thr; replaces isoleucine 338 with threonine.
Molecular consequence: missense variant.
Genome position (GRCh38, 1-based): chrX:5,903,665, A>G on the plus strand (T>C on the coding strand, the complement: NLGN4X is on the minus strand). VCF-style: chrX-5903665-A-G. GRCh37 (hg19) VCF-style: chrX-5821706-A-G.
Other names: c.1013T>C, p.Ile338Thr (NM_001282145.2, NM_001282146.2, NM_020742.4); short protein forms I338T.
Identifiers: ClinVar variation 3059535 (VCV003059535.2), dbSNP rs2518448720, ClinGen allele CA412011346.